The following is an entry in ClinVar:

ClinVar aggregate classification (germline): Likely pathogenic (0 of 4 stars; one submission).

Conditions:
Bernard Soulier syndrome (BSS). Also called: BLEEDING DISORDER, PLATELET-TYPE, 1; Giant platelet syndrome; Hemorrhagiparous thrombocytic dystrophy; Giant platelet disease; PLATELET GLYCOPROTEIN Ib DEFICIENCY; VON WILLEBRAND FACTOR RECEPTOR DEFICIENCY. Identifiers: Orphanet 274, MedGen C0005129, MeSH D001606, MONDO:0009276, OMIM 231200.

Allele frequency attached by ClinVar (database versions not stated): gnomAD exomes 0.00001; TOPMed 0.00001.

Submission:

ISTH-SSC Genomics in Thrombosis and Hemostasis, KU Leuven, Center for Molecular and Vascular Biology
Classification: Likely pathogenic for Bernard Soulier syndrome. Review status: no assertion criteria provided. Collection method: research. Allele origin: unknown. Affected: yes.
Comment: Submitted to GoldVariant by Dr Marie-Christine Morel-Kopp from Northern Blood Research Centre, Sydney, Australia

NM_000173.7(GP1BA):c.1951dup (p.Ser651fs)

Gene: GP1BA (glycoprotein Ib platelet subunit alpha; plus strand). Cytogenetic location: 17p13.2.
Variant type: Duplication.
Coding change: c.1951dup on transcript NM_000173.7 (MANE Select); coding-DNA position 1951, one base duplicated (A; older notation c.1951dupA).
Protein change: p.Ser651fs; shifts the reading frame from serine 651.
Molecular consequence: frameshift variant.
Genome position (GRCh38, 1-based): chr17:4,934,555, A duplicated. VCF-style (leftmost placement, unchanged base first): chr17-4934554-C-CA. GRCh37 (hg19) VCF-style: chr17-4837849-C-CA.
Other names: short protein forms S651fs.
Identifiers: ClinVar variation 1684366 (VCV001684366.1), dbSNP rs1597640885, ClinGen allele CA919780214.